The following is an entry in ClinVar:

NM_001308093.3(GATA4):c.548C>T (p.Pro183Leu)

Gene: GATA4 (GATA binding protein 4). Cytogenetic location: 8p23.1.
Variant type: single nucleotide variant.
Coding change: c.548C>T on transcript NM_001308093.3 (MANE Select); coding-DNA position 548, C replaced by T.
Protein change: p.Pro183Leu; replaces proline 183 with leucine.
Molecular consequence: missense variant. On other transcripts: intron variant (3).
Genome position (GRCh38, 1-based): chr8:11,708,860, C>T. VCF-style: chr8-11708860-C-T. GRCh37 (hg19) VCF-style: chr8-11566369-C-T.
Other names: c.548C>T, p.Pro183Leu (NM_002052.5); c.-6+8082C>T (NM_001308094.2); c.-3+846C>T (NM_001374274.1); c.-3+4556C>T (NM_001374273.1); short protein forms P183L.
Identifiers: ClinVar variation 2859314 (VCV002859314.3), dbSNP rs1800027710, ClinGen allele CA370309858.

ClinVar aggregate classification (germline): Uncertain significance (1 of 4 stars; one submission).

Conditions:
Atrioventricular septal defect 4 (AVSD4). Identifiers: MedGen C3280781, MONDO:0013747, OMIM 614430.

Submission:

Labcorp Genetics (formerly Invitae), Labcorp
Classification: Uncertain significance for Atrioventricular septal defect 4. Last evaluated: 2023-04-26. Review status: criteria provided, single submitter. Criteria: Invitae Variant Classification Sherloc (09022015). Collection method: clinical testing. Allele origin: germline.
Comment: This sequence change replaces proline, which is neutral and non-polar, with leucine, which is neutral and non-polar, at codon 183 of the GATA4 protein (p.Pro183Leu). This variant is not present in population databases (gnomAD no frequency). In summary, the available evidence is currently insufficient to determine the role of this variant in disease. Therefore, it has been classified as a Variant of Uncertain Significance. Advanced modeling of protein sequence and biophysical properties (such as structural, functional, and spatial information, amino acid conservation, physicochemical variation, residue mobility, and thermodynamic stability) performed at Invitae indicates that this missense variant is not expected to disrupt GATA4 protein function. This variant has not been reported in the literature in individuals affected with GATA4-related conditions.